The following is an entry in ClinVar:

ClinVar aggregate classification (germline): Uncertain significance. Review status: criteria provided, single submitter (1 of 4 stars). 2 submissions from 2 submitters: Uncertain significance (1). 1 of the submissions does not count toward it. Last evaluated 2023-10-30.

Conditions:
Exostoses, multiple, type 2 (EXT2). Also called: EXOSTOSES, MULTIPLE, TYPE II; Hereditary Multiple Osteochondromatosis, Type II. Identifiers: Orphanet 321, MedGen C1851413, MONDO:0007586, OMIM 133701.

Allele frequency attached by ClinVar (database versions not stated): gnomAD exomes below 0.00001; gnomAD 0.00001; TOPMed 0.00001; 1000 Genomes Project 0.00020; 1000 Genomes Project 30x 0.00031.
gnomAD v4.1: 8 of 1,614,056 alleles (0.0005%); highest among the groups gnomAD compares: African/African-American, 0.0027%; no homozygotes.

Submissions (2):

Baylor Genetics
Classification: Uncertain significance for Exostoses, multiple, type 2. Last evaluated: 2023-10-30. Review status: criteria provided, single submitter. Criteria: ACMG Guidelines, 2015. Collection method: clinical testing. Allele origin: unknown.

ITMI
No classification provided. Condition: AllHighlyPenetrant. Last evaluated: 2013-09-19. Review status: no classification provided. Collection method: reference population. Allele origin: germline. Not counted in ClinVar's aggregate classification.
Comment: Please see associated publication for description of ethnicities

Literature cited by the submitters: PubMed 24728327 (cited by ITMI).

NM_207122.2(EXT2):c.1712A>G (p.His571Arg)

Gene: EXT2 (exostosin glycosyltransferase 2; plus strand). Cytogenetic location: 11p11.2.
Variant type: single nucleotide variant.
Coding change: c.1712A>G on transcript NM_207122.2 (MANE Select); coding-DNA position 1712, A replaced by G.
Protein change: p.His571Arg; replaces histidine 571 with arginine.
Molecular consequence: missense variant.
Genome position (GRCh38, 1-based): chr11:44,232,402, A>G. VCF-style: chr11-44232402-A-G. GRCh37 (hg19) VCF-style: chr11-44253952-A-G.
Other names: c.1811A>G, p.His604Arg (NM_000401.3); c.1742A>G, p.His581Arg (NM_001178083.3); c.1712A>G, p.His571Arg (NM_001389628.1, NM_001389630.1); short protein forms H571R, H604R, H581R.
Identifiers: ClinVar variation 134203 (VCV000134203.2), dbSNP rs150392363, ClinGen allele CA159106.